The following is an entry in ClinVar:

NM_002451.4(MTAP):c.*328T>C

Gene: MTAP (methylthioadenosine phosphorylase; plus strand). Cytogenetic location: 9p21.3.
Variant type: single nucleotide variant.
Coding change: c.*328T>C on transcript NM_002451.4 (MANE Select); 328 bases downstream of the stop codon, T replaced by C.
Molecular consequence: 3 prime UTR variant.
Genome position (GRCh38, 1-based): chr9:21,862,342, T>C. VCF-style: chr9-21862342-T-C. GRCh37 (hg19) VCF-style: chr9-21862341-T-C.
Identifiers: ClinVar variation 366258 (VCV000366258.5), dbSNP rs150414950, ClinGen allele CA10629761.

ClinVar aggregate classification (germline): Benign (1 of 4 stars; one submission).

Conditions:
Diaphyseal medullary stenosis-bone malignancy syndrome. Also called: MYOPATHY, LIMB-GIRDLE, WITH BONE FRAGILITY; BONE DYSPLASIA WITH MALIGNANT FIBROUS HISTIOCYTOMA; BONE DYSPLASIA WITH MEDULLARY FIBROSARCOMA. Identifiers: Orphanet 85182, MedGen C1862177, MONDO:0007205, OMIM 112250.

Allele frequency attached by ClinVar (database versions not stated): gnomAD 0.00048 and 0.00068; TOPMed 0.00074; gnomAD exomes 0.00076; 1000 Genomes Project 0.00379; 1000 Genomes Project 30x 0.00406.
gnomAD v4.1: 163 of 230,466 alleles (0.071%); highest among the groups gnomAD compares: East Asian, 1.6%; 1 homozygote.

Submission:

Illumina Laboratory Services, Illumina
Classification: Benign for Diaphyseal medullary stenosis-bone malignancy syndrome. Last evaluated: 2018-01-13. Review status: criteria provided, single submitter. Criteria: ICSL Variant Classification Criteria 13 December 2019. Collection method: clinical testing. Allele origin: germline.
Comment: This variant was observed in the ICSL laboratory as part of a predisposition screen in an ostensibly healthy population. It had not been previously curated by ICSL or reported in the Human Gene Mutation Database (HGMD: prior to June 1st, 2018), and was therefore a candidate for classification through an automated scoring system. Utilizing variant allele frequency, disease prevalence and penetrance estimates, and inheritance mode, an automated score was calculated to assess if this variant is too frequent to cause the disease. Based on the score and internal cut-off values, a variant classified as benign is not then subjected to further curation. The score for this variant resulted in a classification of benign for this disease.